The following is an entry in ClinVar:

ClinVar aggregate classification (germline): Pathogenic (1 of 4 stars; one submission).

Conditions:
Peroxisome biogenesis disorder. Identifiers: Orphanet 79189, MedGen C1832200, MONDO:0019234. Disease mechanism: loss of function.

Submission:

Labcorp Genetics (formerly Invitae), Labcorp
Classification: Pathogenic for Peroxisome biogenesis disorder. Last evaluated: 2023-12-15. Review status: criteria provided, single submitter. Criteria: Invitae Variant Classification Sherloc (09022015). Collection method: clinical testing. Allele origin: germline.
Comment: This sequence change creates a premature translational stop signal (p.Arg812Glyfs*10) in the PEX6 gene. It is expected to result in an absent or disrupted protein product. Loss-of-function variants in PEX6 are known to be pathogenic (PMID: 10408779, 21031596, 31831025). This variant is not present in population databases (gnomAD no frequency). This variant has not been reported in the literature in individuals affected with PEX6-related conditions. Algorithms developed to predict the effect of sequence changes on RNA splicing suggest that this variant may disrupt the consensus splice site. For these reasons, this variant has been classified as Pathogenic.

Literature cited by the submitters: PubMed 10408779; PubMed 21031596; PubMed 31831025.

NM_000287.4(PEX6):c.2434del (p.Arg812fs)

Gene: PEX6 (peroxisomal biogenesis factor 6; minus strand). Cytogenetic location: 6p21.1.
Variant type: Deletion.
Coding change: c.2434del on transcript NM_000287.4 (MANE Select); coding-DNA position 2434, one base deleted (C; older notation c.2434delC).
Protein change: p.Arg812fs; shifts the reading frame from arginine 812.
Molecular consequence: frameshift variant. On other transcripts: non-coding transcript variant (1).
Genome position (GRCh38, 1-based): chr6:42,965,718, G deleted on the plus strand (C on the coding strand, the reverse complement: PEX6 is on the minus strand); the first of 2 consecutive G bases (chr6:42,965,718-42,965,719); deleting either gives the same sequence. VCF-style (leftmost placement, unchanged base first): chr6-42965717-CG-C. GRCh37 (hg19) VCF-style: chr6-42933455-CG-C.
Other names: c.2170del, p.Arg724fs (NM_001316313.2); short protein forms R724fs, R812fs.
Identifiers: ClinVar variation 2703438 (VCV002703438.3), dbSNP rs2481202821, ClinGen allele CA2678794245.